The following is an entry in ClinVar:

NM_025136.4(OPA3):c.458G>T (p.Arg153Leu)

Genes: OPA3 (outer mitochondrial membrane lipid metabolism regulator OPA3; minus strand), OPA3-RTN2 (OPA3-RTN2 readthrough; minus strand). Cytogenetic location: 19q13.32.
Variant type: single nucleotide variant.
Coding change: c.458G>T on transcript NM_025136.4 (MANE Select); coding-DNA position 458, G replaced by T.
Protein change: p.Arg153Leu; replaces arginine 153 with leucine.
Molecular consequence: missense variant. On other transcripts: intron variant (1).
Genome position (GRCh38, 1-based): chr19:45,553,596, C>A on the plus strand (G>T on the coding strand, the complement: OPA3 is on the minus strand). VCF-style: chr19-45553596-C-A. GRCh37 (hg19) VCF-style: chr19-46056854-C-A.
Other names: c.143-24140G>T (NM_001017989.3); short protein forms R153L.
Identifiers: ClinVar variation 2419728 (VCV002419728.3), dbSNP rs539965360, ClinGen allele CA9517390.

ClinVar aggregate classification (germline): Uncertain significance (1 of 4 stars; one submission).

Conditions:
3-Methylglutaconic aciduria type 3 (MGCA3). Also called: OPA3, AUTOSOMAL RECESSIVE; OPTIC ATROPHY 3, AUTOSOMAL RECESSIVE; Costeff Syndrome; OPA3-Related 3-Methylglutaconic Aciduria. Identifiers: Orphanet 67047, MedGen C0574084, MONDO:0009787, OMIM 258501.
Optic atrophy 3 (OPA3). Also called: OPTIC ATROPHY 3, AUTOSOMAL DOMINANT; Optic atrophy, cataract, and neurologic disorder; Optic atrophy 3 with cataract. Identifiers: Orphanet 67036, MedGen C1833809, MONDO:0008133, OMIM 165300.

Allele frequency attached by ClinVar (database versions not stated): gnomAD 0.00001; ExAC 0.00003; 1000 Genomes Project 30x 0.00016; 1000 Genomes Project 0.00020.

Submission:

Labcorp Genetics (formerly Invitae), Labcorp
Classification: Uncertain significance for 3-Methylglutaconic aciduria type 3; Optic atrophy 3. Last evaluated: 2022-04-04. Review status: criteria provided, single submitter. Criteria: Invitae Variant Classification Sherloc (09022015). Collection method: clinical testing. Allele origin: germline.
Comment: This sequence change replaces arginine, which is basic and polar, with leucine, which is neutral and non-polar, at codon 153 of the OPA3 protein (p.Arg153Leu). This variant is present in population databases (rs539965360, gnomAD 0.02%). This variant has not been reported in the literature in individuals affected with OPA3-related conditions. Algorithms developed to predict the effect of missense changes on protein structure and function are either unavailable or do not agree on the potential impact of this missense change (SIFT: "Tolerated"; PolyPhen-2: "Possibly Damaging"; Align-GVGD: "Class C0"). In summary, the available evidence is currently insufficient to determine the role of this variant in disease. Therefore, it has been classified as a Variant of Uncertain Significance.